The following is an entry in ClinVar:

NM_014384.3(ACAD8):c.455T>C (p.Met152Thr)

Gene: ACAD8 (acyl-CoA dehydrogenase family member 8; plus strand). Cytogenetic location: 11q25.
Variant type: single nucleotide variant.
Coding change: c.455T>C on transcript NM_014384.3 (MANE Select); coding-DNA position 455, T replaced by C.
Protein change: p.Met152Thr; replaces methionine 152 with threonine.
Molecular consequence: missense variant.
Genome position (GRCh38, 1-based): chr11:134,258,589, T>C. VCF-style: chr11-134258589-T-C. GRCh37 (hg19) VCF-style: chr11-134128483-T-C.
Other names: M103T; short protein forms M152T.
Identifiers: ClinVar variation 5355 (VCV000005355.10), dbSNP rs121908418, ClinGen allele CA117433.

ClinVar aggregate classification (germline): Uncertain significance. Review status: criteria provided, multiple submitters, no conflicts (2 of 4 stars). 3 submissions from 3 submitters: Uncertain significance (2). 1 of the submissions does not count toward it. Last evaluated 2025-02-03.

Conditions:
Deficiency of isobutyryl-CoA dehydrogenase. Also called: IBD DEFICIENCY; ACAD8 DEFICIENCY; ACYL-CoA DEHYDROGENASE FAMILY, MEMBER 8, DEFICIENCY OF. Identifiers: Orphanet 79159, MedGen C1969809, MONDO:0012648, OMIM 611283.

Allele frequency attached by ClinVar (database versions not stated): gnomAD 0.00006 and 0.00007; gnomAD exomes 0.00007 and 0.00014; ExAC 0.00008; TOPMed 0.00008.

Submissions (3):

Labcorp Genetics (formerly Invitae), Labcorp
Classification: Uncertain significance for Deficiency of isobutyryl-CoA dehydrogenase. Last evaluated: 2025-02-03. Review status: criteria provided, single submitter. Criteria: Invitae Variant Classification Sherloc (09022015). Collection method: clinical testing. Allele origin: germline.
Comment: This sequence change replaces methionine, which is neutral and non-polar, with threonine, which is neutral and polar, at codon 152 of the ACAD8 protein (p.Met152Thr). This variant is present in population databases (rs121908418, gnomAD 0.01%). This missense change has been observed in individual(s) with biochemical features of isobutyryl-CoA dehydrogenase deficiency (PMID: 16857760, 17304052). This variant is also known as p.M130T. ClinVar contains an entry for this variant (Variation ID: 5355). Invitae Evidence Modeling of protein sequence and biophysical properties (such as structural, functional, and spatial information, amino acid conservation, physicochemical variation, residue mobility, and thermodynamic stability) indicates that this missense variant is expected to disrupt ACAD8 protein function with a positive predictive value of 95%. In summary, the available evidence is currently insufficient to determine the role of this variant in disease. Therefore, it has been classified as a Variant of Uncertain Significance.

Breakthrough Genomics
Classification: Uncertain significance. Review status: criteria provided, single submitter. Criteria: ACMG Guidelines, 2015. Collection method: not provided. Allele origin: germline. Inheritance: Autosomal recessive inheritance. Affected: yes.

OMIM
Classification: Pathogenic for ISOBUTYRYL-CoA DEHYDROGENASE DEFICIENCY. Last evaluated: 2007-02-01. Review status: no assertion criteria provided. Collection method: literature only. Allele origin: germline. Not counted in ClinVar's aggregate classification.

Literature cited by the submitters: PubMed 16857760 (cited by Labcorp Genetics (formerly Invitae), Labcorp); PubMed 17304052 (cited by Labcorp Genetics (formerly Invitae), Labcorp and OMIM).